The following is an entry in ClinVar:

NM_032043.3(BRIP1):c.128T>A (p.Leu43Ter)

Gene: BRIP1 (BRCA1 interacting DNA helicase 1; minus strand). Cytogenetic location: 17q23.2.
Variant type: single nucleotide variant.
Coding change: c.128T>A on transcript NM_032043.3 (MANE Select); coding-DNA position 128, T replaced by A.
Protein change: p.Leu43Ter; replaces leucine 43 with a stop codon.
Molecular consequence: nonsense.
Genome position (GRCh38, 1-based): chr17:61,859,873, A>T on the plus strand (T>A on the coding strand, the complement: BRIP1 is on the minus strand). VCF-style: chr17-61859873-A-T. GRCh37 (hg19) VCF-style: chr17-59937234-A-T.
Other names: short protein forms L43*.
Identifiers: ClinVar variation 1769069 (VCV001769069.2), dbSNP rs2545472842, ClinGen allele CA400485810.

ClinVar aggregate classification (germline): Likely pathogenic (1 of 4 stars; one submission).

Conditions:
Hereditary cancer-predisposing syndrome. Also called: Hereditary Cancer Syndrome; Hereditary neoplastic syndrome; Neoplastic Syndromes, Hereditary; Tumor predisposition. Identifiers: Orphanet 140162, MedGen C0027672, MeSH D009386, MONDO:0015356.

Submission:

Ambry Genetics
Classification: Likely pathogenic for Hereditary cancer-predisposing syndrome. Last evaluated: 2021-08-31. Review status: criteria provided, single submitter. Criteria: Ambry Variant Classification Scheme 2023. Collection method: clinical testing. Allele origin: germline.
Comment: The p.L43* variant (also known as c.128T>A), located in coding exon 2 of the BRIP1 gene, results from a T to A substitution at nucleotide position 128. This changes the amino acid from a leucine to a stop codon within coding exon 2. This alteration is expected to result in loss of function by premature protein truncation or nonsense-mediated mRNA decay. As such, this alteration is interpreted as a likely pathogenic variant.